The following is an entry in ClinVar:

ClinVar aggregate classification (germline): Likely benign (1 of 4 stars; one submission).

Conditions:
Gastrointestinal stromal tumor. Also called: Gastrointestinal stromal tumor, somatic; Gastrointestinal stroma tumor. Identifiers: Orphanet 44890, MedGen C0238198, MeSH D046152, MONDO:0011719, OMIM 606764, HP:0100723.

gnomAD v4.1: 8 of 1,613,030 alleles (0.0005%); highest among the groups gnomAD compares: South Asian, 0.0033%; no homozygotes.

Submission:

Myriad Genetics, Inc.
Classification: Likely benign for Gastrointestinal stromal tumor. Last evaluated: 2026-06-23. Review status: criteria provided, single submitter. Criteria: Myriad Autosomal Dominant, Autosomal Recessive and X-Linked Classification Criteria (2023). Collection method: clinical testing. Allele origin: unknown.
Comment: This variant is considered likely benign. This variant has been observed at a population frequency that is significantly greater than expected given the associated disease prevalence and penetrance.

NM_000222.3(KIT):c.-15A>G

Gene: KIT (KIT proto-oncogene, receptor tyrosine kinase; plus strand). Cytogenetic location: 4q12.
Variant type: single nucleotide variant.
Coding change: c.-15A>G on transcript NM_000222.3 (MANE Select); 15 bases upstream of the start codon, A replaced by G.
Molecular consequence: 5 prime UTR variant.
Genome position (GRCh38, 1-based): chr4:54,658,000, A>G. VCF-style: chr4-54658000-A-G. GRCh37 (hg19) VCF-style: chr4-55524167-A-G.
Other names: c.-15A>G (NM_001093772.2, NM_001385284.1, NM_001385285.1 and 4 more transcripts).
Identifiers: ClinVar variation 4875859 (VCV004875859.1).